The following is an entry in ClinVar:

ClinVar aggregate classification (germline): Benign. Review status: criteria provided, multiple submitters, no conflicts (2 of 4 stars). 2 submissions from 2 submitters: Benign (2). Last evaluated 2018-01-13.

Conditions:
Autosomal recessive proximal renal tubular acidosis (PRTAO). Also called: RTA, PROXIMAL, AUTOSOMAL RECESSIVE; RENAL TUBULAR ACIDOSIS, PROXIMAL, WITH OCULAR ABNORMALITIES AND MENTAL RETARDATION; RENAL TUBULAR ACIDOSIS, PROXIMAL, WITH OCULAR ABNORMALITIES AND IMPAIRED INTELLECTUAL DEVELOPMENT; PROXIMAL RENAL TUBULAR ACIDOSIS-OCULAR ANOMALY SYNDROME. Identifiers: Orphanet 93607, MedGen C1970309, MONDO:0011422, OMIM 604278.

Allele frequency attached by ClinVar (database versions not stated): 1000 Genomes Project 0.62061; 1000 Genomes Project 30x 0.62633; gnomAD 0.71335 and 0.71793; TOPMed 0.71419; gnomAD exomes 0.74884.
gnomAD v4.1: 108,426 of 152,000 alleles (71%); highest among the groups gnomAD compares: Middle Eastern, 81%; 39,290 homozygotes.

Submissions (2):

Illumina Laboratory Services, Illumina
Classification: Benign for Autosomal recessive proximal renal tubular acidosis. Last evaluated: 2018-01-13. Review status: criteria provided, single submitter. Criteria: ICSL Variant Classification Criteria 13 December 2019. Collection method: clinical testing. Allele origin: germline.
Comment: This variant was observed in the ICSL laboratory as part of a predisposition screen in an ostensibly healthy population. It had not been previously curated by ICSL or reported in the Human Gene Mutation Database (HGMD: prior to June 1st, 2018), and was therefore a candidate for classification through an automated scoring system. Utilizing variant allele frequency, disease prevalence and penetrance estimates, and inheritance mode, an automated score was calculated to assess if this variant is too frequent to cause the disease. Based on the score and internal cut-off values, a variant classified as benign is not then subjected to further curation. The score for this variant resulted in a classification of benign for this disease.

Breakthrough Genomics
Classification: Benign. Review status: criteria provided, single submitter. Criteria: ACMG Guidelines, 2015. Collection method: not provided. Allele origin: germline. Inheritance: Autosomal recessive inheritance. Affected: yes.

NM_001098484.3(SLC4A4):c.*2767A>G

Gene: SLC4A4 (solute carrier family 4 member 4; plus strand). Cytogenetic location: 4q13.3.
Variant type: single nucleotide variant.
Coding change: c.*2767A>G on transcript NM_001098484.3 (MANE Select); 2767 bases downstream of the stop codon, A replaced by G.
Molecular consequence: 3 prime UTR variant.
Genome position (GRCh38, 1-based): chr4:71,570,518, A>G. VCF-style: chr4-71570518-A-G. GRCh37 (hg19) VCF-style: chr4-72436235-A-G.
Other names: c.*2625A>G (NM_001134742.2); c.*2767A>G (NM_003759.4).
Identifiers: ClinVar variation 349598 (VCV000349598.6), dbSNP rs1043218, ClinGen allele CA10621679.